The following is an entry in ClinVar:

ClinVar aggregate classification (germline): Uncertain significance (1 of 4 stars; one submission).

Conditions:
Glycogen storage disease IXa1. Also called: LIVER GLYCOGENOSIS, X-LINKED, TYPE I; GLYCOGEN STORAGE DISEASE VIII; GSD VIII; Glycogen storage disease 8. Identifiers: Orphanet 264580, MedGen C3694531, MONDO:0010598, OMIM 306000.

Submission:

Juno Genomics, Hangzhou Juno Genomics, Inc
Classification: Uncertain significance for Glycogen storage disease IXa1. Review status: criteria provided, single submitter. Criteria: ACMG Guidelines, 2015. Collection method: clinical testing. Allele origin: germline.
Comment: Absent from controls (or at extremely low frequency if recessive) in Genome Aggregation Database.;Multiple lines of computational evidence support a deleterious effect on the gene or gene product.

NM_000292.3(PHKA2):c.3695G>A (p.Cys1232Tyr)

Genes: PHKA2 (phosphorylase kinase regulatory subunit alpha 2; minus strand), PHKA2-AS1 (PHKA2 antisense RNA 1; plus strand). Cytogenetic location: Xp22.13.
Variant type: single nucleotide variant.
Coding change: c.3695G>A on transcript NM_000292.3 (MANE Select); coding-DNA position 3695, G replaced by A.
Protein change: p.Cys1232Tyr; replaces cysteine 1232 with tyrosine.
Molecular consequence: missense variant.
Genome position (GRCh38, 1-based): chrX:18,893,498, C>T on the plus strand (G>A on the coding strand, the complement: PHKA2 is on the minus strand). VCF-style: chrX-18893498-C-T. GRCh37 (hg19) VCF-style: chrX-18911616-C-T.
Other names: c.3719G>A, p.Cys1240Tyr (NM_001440805.1); c.3641G>A, p.Cys1214Tyr (NM_001440800.1); c.3611G>A, p.Cys1204Tyr (NM_001440801.1); c.3596G>A, p.Cys1199Tyr (NM_001440802.1); c.3542G>A, p.Cys1181Tyr (NM_001440803.1); c.3512G>A, p.Cys1171Tyr (NM_001440804.1); short protein forms C1171Y, C1181Y, C1199Y, C1204Y, C1214Y, C1232Y, C1240Y.
Identifiers: ClinVar variation 5019820 (VCV005019820.2).